The following is an entry in ClinVar:

ClinVar aggregate classification (germline): Conflicting classifications of pathogenicity. Review status: criteria provided, conflicting classifications (1 of 4 stars). 5 submissions from 5 submitters: Uncertain significance (1); Likely benign (3). 1 of the submissions does not count toward it. Last evaluated 2024-11-22.

Conditions:
BDP1-related disorder. Also called: BDP1-related condition.

Allele frequency attached by ClinVar (database versions not stated): 1000 Genomes Project 0.00080; ESP Exome Variant Server 0.00084; 1000 Genomes Project 30x 0.00094.

Submissions (5):

Blueprint Genetics
Classification: Likely benign. Last evaluated: 2024-11-22. Review status: criteria provided, single submitter. Criteria: ACMG Guidelines, 2015. Collection method: clinical testing. Allele origin: germline.

Ambry Genetics
Classification: Uncertain significance. Last evaluated: 2024-07-27. Review status: criteria provided, single submitter. Criteria: Ambry Variant Classification Scheme 2023. Collection method: clinical testing. Allele origin: germline.

GeneDx
Classification: Likely benign. Last evaluated: 2021-02-27. Review status: criteria provided, single submitter. Criteria: GeneDx Variant Classification Process June 2021. Collection method: clinical testing. Allele origin: germline. Affected: yes.

Breakthrough Genomics
Classification: Likely benign. Review status: criteria provided, single submitter. Criteria: ACMG Guidelines, 2015. Collection method: not provided. Allele origin: germline. Inheritance: Autosomal recessive inheritance. Affected: yes.

PreventionGenetics, part of Exact Sciences
Classification: Likely benign for BDP1-related condition. Last evaluated: 2024-06-05. Review status: no assertion criteria provided. Collection method: clinical testing. Allele origin: germline. Not counted in ClinVar's aggregate classification.
Comment: This variant is classified as likely benign based on ACMG/AMP sequence variant interpretation guidelines (Richards et al. 2015 PMID: 25741868, with internal and published modifications).

NM_018429.3(BDP1):c.1294C>A (p.Gln432Lys)

Gene: BDP1 (BDP1 general transcription factor IIIB subunit; plus strand). Cytogenetic location: 5q13.2.
Variant type: single nucleotide variant.
Coding change: c.1294C>A on transcript NM_018429.3 (MANE Select); coding-DNA position 1294, C replaced by A.
Protein change: p.Gln432Lys; replaces glutamine 432 with lysine.
Molecular consequence: missense variant.
Genome position (GRCh38, 1-based): chr5:71,489,484, C>A. VCF-style: chr5-71489484-C-A. GRCh37 (hg19) VCF-style: chr5-70785311-C-A.
Other names: short protein forms Q432K.
Identifiers: ClinVar variation 1317588 (VCV001317588.8), dbSNP rs201849167, ClinGen allele CA3295964.